The following is an entry in ClinVar:

ClinVar aggregate classification (germline): Uncertain significance (0 of 4 stars; one submission).

Conditions:
GNAS-related disorder. Identifiers: MedGen CN380105.

Submission:

PreventionGenetics, part of Exact Sciences
Classification: Uncertain significance for GNAS-related condition. Last evaluated: 2024-06-17. Review status: no assertion criteria provided. Collection method: clinical testing. Allele origin: germline.
Comment: The GNAS c.536_543dup8 variant is predicted to result in a frameshift and premature protein termination (p.Thr182Argfs*88). This variant is reported in transcript NM_016592.3, which only has one coding exon. In the primary transcript for GNAS (NM_000516.5), this variant is pre-coding and is designated c.-51085_-51078dup. To our knowledge, only large deletions of this region are conclusively pathogenic for pseudohypoparathyroidism type-Ib (PHP-Ib) due to methylation defects, of which obesity is not typically a characteristic feature (Turan and Bastepe. 2015. PubMed ID: 25851935). Although, in some studies sequence variants within this region have been reported in related diseases, the pathogenicity is still unknown (see for example in Table 3 of Long et al. 2018. PubMed ID: 30022773). This variant is reported in 0.0040% of alleles in individuals of European (Non-Finnish) descent in gnomAD. At this time, the clinical significance of this variant is uncertain due to the absence of conclusive functional and genetic evidence.

NM_016592.5(GNAS):c.536_543dup (p.Thr182fs)

Genes: GNAS (GNAS complex locus; plus strand), GNAS-AS1 (GNAS antisense RNA 1; minus strand). Cytogenetic location: 20q13.32.
Variant type: Duplication.
Coding change: c.536_543dup on transcript NM_016592.5 (MANE Plus Clinical); coding-DNA positions 536 to 543, 8 bases duplicated (CGCCCAGC; older notation c.536_543dupCGCCCAGC).
Protein change: p.Thr182fs; shifts the reading frame from threonine 182.
Molecular consequence: frameshift variant. On other transcripts: 5 prime UTR variant (1).
Genome position (GRCh38, 1-based): chr20:58,840,642-58,840,649, CGCCCAGC duplicated; duplicating any 8 consecutive bases within chr20:58,840,640-58,840,649 gives the same sequence; the c. name uses the placement nearest the transcript's 3' end. VCF-style (leftmost placement, unchanged base first): chr20-58840639-C-CGCCGCCCA. GRCh37 (hg19) VCF-style: chr20-57415694-C-CGCCGCCCA.
Other names: c.-202_-195dup (NM_001410912.1); short protein forms T182fs.
Identifiers: ClinVar variation 3356377 (VCV003356377.1).
Genomic context (GRCh38, chr20:58,840,639, plus strand): 5'-CCCTCACCCAGCGTCTGCACGCTCTCAAGTTGCGAAGCCCCGACGCCTCCCCAAGTCGCG[C>CGCCGCCCA]GCCGCCCAGCACTCAGGAGCCCCAGAGCCCCAGGGAAGGGGAGGAGCTCAAGCCCGAGGA-3'